The following is an entry in ClinVar:

NM_001194998.2(CEP152):c.2262G>A (p.Glu754=)

Gene: CEP152 (centrosomal protein 152; minus strand). Cytogenetic location: 15q21.1.
Variant type: single nucleotide variant.
Coding change: c.2262G>A on transcript NM_001194998.2 (MANE Select); coding-DNA position 2262, G replaced by A.
Protein change: p.Glu754=; no amino-acid change (glutamic acid 754 retained).
Molecular consequence: synonymous variant.
Genome position (GRCh38, 1-based): chr15:48,767,078, C>T on the plus strand (G>A on the coding strand, the complement: CEP152 is on the minus strand). VCF-style: chr15-48767078-C-T. GRCh37 (hg19) VCF-style: chr15-49059275-C-T.
Other names: c.2262G>A, p.Glu754= (NM_014985.4).
Identifiers: ClinVar variation 158242 (VCV000158242.44), dbSNP rs149176738, ClinGen allele CA171710.

ClinVar aggregate classification (germline): Conflicting classifications of pathogenicity. Review status: criteria provided, conflicting classifications (1 of 4 stars). 7 submissions from 6 submitters: Uncertain significance (2); Benign (2); Likely benign (3). Last evaluated 2026-01-29.

Conditions:
Microcephaly 9, primary, autosomal recessive. Identifiers: Orphanet 2512, MedGen C3553886, MONDO:0013923, OMIM 614852.
Seckel syndrome 5 (SCKL5). Identifiers: Orphanet 808, MedGen C3151187, MONDO:0013443, OMIM 613823.

Allele frequency attached by ClinVar (database versions not stated): 1000 Genomes Project 30x 0.00078; 1000 Genomes Project 0.00100; TOPMed 0.00158; ExAC 0.00187; gnomAD 0.00190 and 0.00195; gnomAD exomes 0.00193; ESP Exome Variant Server 0.00214.
gnomAD v4.1: 3,788 of 1,613,152 alleles (0.23%); highest among the groups gnomAD compares: Non-Finnish European, 0.27%; 7 homozygotes.

Submissions (7):

Labcorp Genetics (formerly Invitae), Labcorp
Classification: Benign. Last evaluated: 2026-01-29. Review status: criteria provided, single submitter. Criteria: Invitae Variant Classification Sherloc (09022015). Collection method: clinical testing. Allele origin: germline.

Blueprint Genetics
Classification: Likely benign. Last evaluated: 2024-11-27. Review status: criteria provided, single submitter. Criteria: ACMG Guidelines, 2015. Collection method: clinical testing. Allele origin: germline.

CeGaT Center for Human Genetics Tuebingen
Classification: Likely benign. Last evaluated: 2024-08-01. Review status: criteria provided, single submitter. Criteria: CeGaT Center For Human Genetics Tuebingen Variant Classification Criteria Version 2. Collection method: clinical testing. Allele origin: germline. Affected: yes. Observed: 8 variant alleles.
Comment: CEP152: BP4, BS2

GeneDx
Classification: Benign. Last evaluated: 2021-04-26. Review status: criteria provided, single submitter. Criteria: GeneDx Variant Classification Process June 2021. Collection method: clinical testing. Allele origin: germline. Affected: yes.

Illumina Laboratory Services, Illumina
Classification: Uncertain significance for Microcephaly 9, primary, autosomal recessive. Last evaluated: 2018-01-13. Review status: criteria provided, single submitter. Criteria: ICSL Variant Classification Criteria 13 December 2019. Collection method: clinical testing. Allele origin: germline.

Illumina Laboratory Services, Illumina
Classification: Uncertain significance for Seckel syndrome 5. Last evaluated: 2018-01-13. Review status: criteria provided, single submitter. Criteria: ICSL Variant Classification Criteria 13 December 2019. Collection method: clinical testing. Allele origin: germline.

Genetic Services Laboratory, University of Chicago
Classification: Likely benign. Last evaluated: 2013-06-26. Review status: criteria provided, single submitter. Criteria: ACMG Guidelines, 2007. Collection method: clinical testing. Allele origin: germline. Inheritance: Autosomal recessive inheritance.
Comment: Likely benign based on allele frequency in 1000 Genomes Project or ESP global frequency and its presence in a patient with a rare or unrelated disease phenotype. NOT Sanger confirmed